The following is an entry in ClinVar:

NM_025137.4(SPG11):c.7138G>T (p.Glu2380Ter)

Gene: SPG11 (SPG11 vesicle trafficking associated, spatacsin; minus strand). Cytogenetic location: 15q21.1.
Variant type: single nucleotide variant.
Coding change: c.7138G>T on transcript NM_025137.4 (MANE Select); coding-DNA position 7138, G replaced by T.
Protein change: p.Glu2380Ter; replaces glutamic acid 2380 with a stop codon.
Molecular consequence: nonsense.
Genome position (GRCh38, 1-based): chr15:44,564,560, C>A on the plus strand (G>T on the coding strand, the complement: SPG11 is on the minus strand). VCF-style: chr15-44564560-C-A. GRCh37 (hg19) VCF-style: chr15-44856758-C-A.
Other names: c.6799G>T, p.Glu2267Ter (NM_001160227.2); c.7138G>T (NM_025137.3); short protein forms E2267*, E2380*.
Identifiers: ClinVar variation 1071204 (VCV001071204.10), dbSNP rs369467143, ClinGen allele CA7533898.

ClinVar aggregate classification (germline): Pathogenic. Review status: criteria provided, multiple submitters, no conflicts (2 of 4 stars). 3 submissions from 3 submitters: Pathogenic (3). Last evaluated 2025-12-01.

Conditions:
Hereditary spastic paraplegia 11. Also called: SPASTIC PARAPLEGIA, AUTOSOMAL RECESSIVE, COMPLICATED, WITH THIN CORPUS CALLOSUM; SPASTIC PARAPLEGIA, AUTOSOMAL RECESSIVE, WITH MENTAL IMPAIRMENT AND THIN CORPUS CALLOSUM; Spastic Paraplegia 11; Spastic paraplegia, mental retardation and thin corpus callosum; Nakamura Osame syndrome; Autosomal recessive hereditary spastic paraplegia, mental impairment, and thin corpus callosum. Identifiers: Orphanet 2822, MedGen C1858479, MONDO:0011445, OMIM 604360.
SPG11-related disorder. Also called: SPG11-related condition.

Allele frequency attached by ClinVar (database versions not stated): TOPMed below 0.00001; gnomAD 0.00001; gnomAD exomes 0.00001; ExAC 0.00002; ESP Exome Variant Server 0.00008.
gnomAD v4.1: 7 of 1,613,832 alleles (0.00043%); highest among the groups gnomAD compares: Non-Finnish European, 0.00059%; no homozygotes.

Submissions (3):

Labcorp Genetics (formerly Invitae), Labcorp
Classification: Pathogenic for Hereditary spastic paraplegia 11. Last evaluated: 2025-12-01. Review status: criteria provided, single submitter. Criteria: Invitae Variant Classification Sherloc (09022015). Collection method: clinical testing. Allele origin: germline.
Comment: This sequence change creates a premature translational stop signal (p.Glu2380*) in the SPG11 gene. While this is not anticipated to result in nonsense mediated decay, it is expected to disrupt the last 64 amino acid(s) of the SPG11 protein. This variant is present in population databases (rs369467143, gnomAD 0.002%). This premature translational stop signal has been observed in individual(s) with clinical features of hereditary spastic paraplegia (PMID: 21035867). ClinVar contains an entry for this variant (Variation ID: 1071204). This variant disrupts a region of the SPG11 protein in which other variant(s) (p.His2388Thrfs*6) have been determined to be pathogenic (internal data). This suggests that this is a clinically significant region of the protein, and that variants that disrupt it are likely to be disease-causing. For these reasons, this variant has been classified as Pathogenic.

Blueprint Genetics
Classification: Pathogenic for SPG11-related disorders. Last evaluated: 2024-01-23. Review status: criteria provided, single submitter. Criteria: ACMG Guidelines, 2015. Collection method: clinical testing. Allele origin: germline. Affected: yes. Observed: 2 variant alleles.

PreventionGenetics, part of Exact Sciences
Classification: Pathogenic for SPG11-related condition. Last evaluated: 2023-05-09. Review status: criteria provided, single submitter. Criteria: ACMG Guidelines, 2015. Collection method: clinical testing. Allele origin: germline.
Comment: The SPG11 c.7138G>T variant is predicted to result in premature protein termination (p.Glu2380*). This variant was reported in the compound heterozygous state in an individual with Kjellin syndrome (features similar to hereditary spastic paraplegia) (Case 5, Puech et al 2011. PubMed ID: 21035867). This variant is reported in 0.0018% of alleles in individuals of European (Non-Finnish) descent in gnomAD. Furthermore, truncating variants in SPG11 are expected to be pathogenic. This variant is interpreted as pathogenic.

Literature cited by the submitters: PubMed 21035867 (cited by Labcorp Genetics (formerly Invitae), Labcorp).